The following is an entry in ClinVar:

ClinVar aggregate classification (germline): Benign (1 of 4 stars; one submission).

Conditions:
Melanoma-pancreatic cancer syndrome. Identifiers: Orphanet 404560, MedGen C1838547, MONDO:0011713, OMIM 606719. Disease mechanism: loss of function.

gnomAD v4.1: 1 of 1,604,350 alleles (0.000062%); highest among the groups gnomAD compares: South Asian, 0.0011%; no homozygotes.

Submission:

Myriad Genetics, Inc.
Classification: Benign for Melanoma-pancreatic cancer syndrome. Last evaluated: 2025-08-12. Review status: criteria provided, single submitter. Criteria: Myriad Autosomal Dominant, Autosomal Recessive and X-Linked Classification Criteria (2023). Collection method: clinical testing. Allele origin: unknown.
Comment: This variant is considered benign. This variant is a silent/synonymous amino acid change and it is not expected to impact splicing.

NM_058195.4(CDKN2A):c.159G>A (p.Gln53=)

Gene: CDKN2A (cyclin dependent kinase inhibitor 2A; minus strand). Cytogenetic location: 9p21.3.
Variant type: single nucleotide variant.
Coding change: c.159G>A on transcript NM_058195.4 (MANE Plus Clinical); coding-DNA position 159, G replaced by A.
Protein change: p.Gln53=; no amino-acid change (glutamine 53 retained).
Molecular consequence: synonymous variant. On other transcripts: intron variant (1).
Genome position (GRCh38, 1-based): chr9:21,994,173, C>T on the plus strand (G>A on the coding strand, the complement: CDKN2A is on the minus strand). VCF-style: chr9-21994173-C-T. GRCh37 (hg19) VCF-style: chr9-21994172-C-T.
Other names: c.-4+648G>A (NM_001363763.2).
Identifiers: ClinVar variation 4294114 (VCV004294114.1).